The following is an entry in ClinVar:

ClinVar aggregate classification (germline): Likely benign (1 of 4 stars; one submission).

gnomAD v4.1: 3 of 1,206,397 alleles (0.00025%); highest among the groups gnomAD compares: Non-Finnish European, 0.00034%; no homozygotes.

Submission:

GeneDx
Classification: Likely benign. Last evaluated: 2017-11-24. Review status: criteria provided, single submitter. Criteria: GeneDx Variant Classification (06012015). Collection method: clinical testing. Allele origin: germline. Affected: yes.
Comment: This variant is considered likely benign or benign based on one or more of the following criteria: it is a conservative change, it occurs at a poorly conserved position in the protein, it is predicted to be benign by multiple in silico algorithms, and/or has population frequency not consistent with disease.

NM_004006.3(DMD):c.1813G>A (p.Val605Ile)

Gene: DMD (dystrophin; minus strand). Cytogenetic location: Xp21.1.
Variant type: single nucleotide variant.
Coding change: c.1813G>A on transcript NM_004006.3 (MANE Select); coding-DNA position 1813, G replaced by A.
Protein change: p.Val605Ile; replaces valine 605 with isoleucine.
Molecular consequence: missense variant.
Genome position (GRCh38, 1-based): chrX:32,565,881, C>T on the plus strand (G>A on the coding strand, the complement: DMD is on the minus strand). VCF-style: chrX-32565881-C-T. GRCh37 (hg19) VCF-style: chrX-32583998-C-T.
Other names: c.1789G>A, p.Val597Ile (NM_000109.4); c.1801G>A, p.Val601Ile (NM_004009.3); c.1444G>A, p.Val482Ile (NM_004010.3); short protein forms V605I, V597I, V482I, V601I.
Identifiers: ClinVar variation 513667 (VCV000513667.1), dbSNP rs939660481, ClinGen allele CA412673050.
Genomic context (GRCh38, chrX:32,565,881, plus strand): 5'-GTTTGAGTGAATACAGTTTGCCCATGGATTGCTTTTTCTTTTCTAGATCCGCTTTTAAAA[C>T]CTGTTAAAACAAGAAAGATCACAGAATAAGCCTGGGTTGCATTCCATACACCACTATAGT-3'
Protein context (NP_003997.2, residues 595-615): EMLSSLQKLA[Val605Ile]LKADLEKKKQ